The following is an entry in ClinVar:

NM_004974.4(KCNA2):c.238C>T (p.Arg80Trp)

Gene: KCNA2 (potassium voltage-gated channel subfamily A member 2; minus strand). Cytogenetic location: 1p13.3.
Variant type: single nucleotide variant.
Coding change: c.238C>T on transcript NM_004974.4 (MANE Select); coding-DNA position 238, C replaced by T.
Protein change: p.Arg80Trp; replaces arginine 80 with tryptophan.
Molecular consequence: missense variant.
Genome position (GRCh38, 1-based): chr1:110,604,545, G>A on the plus strand (C>T on the coding strand, the complement: KCNA2 is on the minus strand). VCF-style: chr1-110604545-G-A. GRCh37 (hg19) VCF-style: chr1-111147167-G-A.
Other names: c.238C>T, p.Arg80Trp (NM_001204269.2); short protein forms R80W.
Identifiers: ClinVar variation 581223 (VCV000581223.33), dbSNP rs1448937059, ClinGen allele CA341606273.
Genomic context (GRCh38, chr1:110,604,545, plus strand): 5'-GCCTCAATCGGCCCCCTGACTGGTAGTAGTACAAAATGGCATCAAAGCTAGGGCGGTTCC[G>A]ATCGAAAAAGTACTCATTTCGGAGGGGGTCAAAGTACCTCATTCGTTTCTTTGGGTCCCC-3'
Protein context (NP_004965.1, residues 70-90): DPLRNEYFFD[Arg80Trp]NRPSFDAILY

ClinVar aggregate classification (germline): Uncertain significance. Review status: criteria provided, multiple submitters, no conflicts (2 of 4 stars). 2 submissions from 2 submitters: Uncertain significance (2). Last evaluated 2022-09-01.

Conditions:
Developmental and epileptic encephalopathy, 32 (DEE32). Also called: Epileptic encephalopathy, early infantile, 32. Identifiers: Orphanet 442835, MedGen C4225350, MONDO:0014607, OMIM 616366.

gnomAD v4.1: 5 of 1,614,044 alleles (0.00031%); highest among the groups gnomAD compares: African/African-American, 0.0013%; no homozygotes.

Submissions (2):

CeGaT Center for Human Genetics Tuebingen
Classification: Uncertain significance. Last evaluated: 2022-09-01. Review status: criteria provided, single submitter. Criteria: CeGaT Center For Human Genetics Tuebingen Variant Classification Criteria Version 2. Collection method: clinical testing. Allele origin: germline. Affected: yes. Observed: 1 variant allele.
Comment: KCNA2: PP2, PP3

Labcorp Genetics (formerly Invitae), Labcorp
Classification: Uncertain significance for Developmental and epileptic encephalopathy, 32. Last evaluated: 2021-07-30. Review status: criteria provided, single submitter. Criteria: Invitae Variant Classification Sherloc (09022015). Collection method: clinical testing. Allele origin: germline.
Comment: In summary, the available evidence is currently insufficient to determine the role of this variant in disease. Therefore, it has been classified as a Variant of Uncertain Significance. Algorithms developed to predict the effect of missense changes on protein structure and function (SIFT, PolyPhen-2, Align-GVGD) all suggest that this variant is likely to be disruptive, but these predictions have not been confirmed by published functional studies and their clinical significance is uncertain. This variant has not been reported in the literature in individuals with KCNA2-related disease. This variant is not present in population databases (ExAC no frequency). This sequence change replaces arginine with tryptophan at codon 80 of the KCNA2 protein (p.Arg80Trp). The arginine residue is highly conserved and there is a moderate physicochemical difference between arginine and tryptophan.